The following is an entry in ClinVar:

NM_000465.4(BARD1):c.1474dup (p.Tyr492fs)

Gene: BARD1 (BRCA1 associated RING domain 1; minus strand). Cytogenetic location: 2q35.
Variant type: Duplication.
Coding change: c.1474dup on transcript NM_000465.4 (MANE Select); coding-DNA position 1474, one base duplicated (T; older notation c.1474dupT).
Protein change: p.Tyr492fs; shifts the reading frame from tyrosine 492.
Molecular consequence: frameshift variant. On other transcripts: non-coding transcript variant (3), intron variant (3).
Genome position (GRCh38, 1-based): chr2:214,767,576, A duplicated on the plus strand (T on the coding strand, the reverse complement: BARD1 is on the minus strand). VCF-style (leftmost placement, unchanged base first): chr2-214767575-T-TA. GRCh37 (hg19) VCF-style: chr2-215632299-T-TA.
Other names: c.1417dup, p.Tyr473fs (NM_001282543.2); c.159-15021dup (NM_001282548.2); c.216-15021dup (NM_001282545.2); c.364+24721dup (NM_001282549.2); short protein forms Y473fs, Y492fs.
Identifiers: ClinVar variation 1773439 (VCV001773439.9), dbSNP rs2469443673, ClinGen allele CA2580065624.

ClinVar aggregate classification (germline): Pathogenic. Review status: criteria provided, multiple submitters, no conflicts (2 of 4 stars). 3 submissions from 3 submitters: Pathogenic (3). Last evaluated 2023-05-23.

Conditions:
Hereditary cancer-predisposing syndrome. Also called: Hereditary Cancer Syndrome; Hereditary neoplastic syndrome; Neoplastic Syndromes, Hereditary; Tumor predisposition. Identifiers: Orphanet 140162, MedGen C0027672, MeSH D009386, MONDO:0015356.
Familial cancer of breast. Also called: BREAST CANCER, FAMILIAL; Hereditary breast cancer; hereditary breast carcinoma. Identifiers: Orphanet 227535, MedGen C0346153, MONDO:0016419, OMIM 114480. Disease mechanism: loss of function.

Submissions (3):

Myriad Genetics, Inc.
Classification: Pathogenic for Familial cancer of breast. Last evaluated: 2023-05-23. Review status: criteria provided, single submitter. Criteria: Myriad Autosomal Dominant, Autosomal Recessive and X-Linked Classification Criteria (2023). Collection method: clinical testing. Allele origin: unknown.
Comment: This variant is considered pathogenic. This variant creates a frameshift predicted to result in premature protein truncation.

Labcorp Genetics (formerly Invitae), Labcorp
Classification: Pathogenic for Familial cancer of breast. Last evaluated: 2022-09-13. Review status: criteria provided, single submitter. Criteria: Invitae Variant Classification Sherloc (09022015). Collection method: clinical testing. Allele origin: germline.
Comment: This sequence change creates a premature translational stop signal (p.Tyr492Leufs*4) in the BARD1 gene. It is expected to result in an absent or disrupted protein product. Loss-of-function variants in BARD1 are known to be pathogenic (PMID: 20077502, 21344236). This variant is not present in population databases (gnomAD no frequency). For these reasons, this variant has been classified as Pathogenic. This variant has not been reported in the literature in individuals affected with BARD1-related conditions.

Ambry Genetics
Classification: Pathogenic for Hereditary cancer-predisposing syndrome. Last evaluated: 2021-09-27. Review status: criteria provided, single submitter. Criteria: Ambry Variant Classification Scheme 2023. Collection method: clinical testing. Allele origin: germline.
Comment: The c.1474dupT pathogenic mutation, located in coding exon 6 of the BARD1 gene, results from a duplication of T at nucleotide position 1474, causing a translational frameshift with a predicted alternate stop codon (p.Y492Lfs*4). This variant is considered to be rare based on population cohorts in the Genome Aggregation Database (gnomAD). This alteration is expected to result in loss of function by premature protein truncation or nonsense-mediated mRNA decay. As such, this alteration is interpreted as a disease-causing mutation.

Literature cited by the submitters: PubMed 20077502 (cited by Labcorp Genetics (formerly Invitae), Labcorp); PubMed 21344236 (cited by Labcorp Genetics (formerly Invitae), Labcorp).